The following is an entry in ClinVar:

ClinVar aggregate classification (germline): Uncertain significance (1 of 4 stars; one submission).

Allele frequency attached by ClinVar (database versions not stated): ExAC 0.00002; TOPMed 0.00002.
gnomAD v4.1: 74 of 1,613,328 alleles (0.0046%); highest among the groups gnomAD compares: Non-Finnish European, 0.0052%; 1 homozygote.

Submission:

Labcorp Genetics (formerly Invitae), Labcorp
Classification: Uncertain significance. Last evaluated: 2026-01-12. Review status: criteria provided, single submitter. Criteria: Invitae Variant Classification Sherloc (09022015). Collection method: clinical testing. Allele origin: germline.
Comment: This sequence change replaces arginine, which is basic and polar, with tryptophan, which is neutral and slightly polar, at codon 829 of the ITGAM protein (p.Arg829Trp). This variant is present in population databases (rs200357959, gnomAD 0.02%). This variant has not been reported in the literature in individuals affected with ITGAM-related conditions. ClinVar contains an entry for this variant (Variation ID: 2882528). An algorithm developed to predict the effect of missense changes on protein structure and function (PolyPhen-2) suggests that this variant is likely to be disruptive. In summary, the available evidence is currently insufficient to determine the role of this variant in disease. Therefore, it has been classified as a Variant of Uncertain Significance.

NM_000632.4(ITGAM):c.2485C>T (p.Arg829Trp)

Gene: ITGAM (integrin subunit alpha M; plus strand). Cytogenetic location: 16p11.2.
Variant type: single nucleotide variant.
Coding change: c.2485C>T on transcript NM_000632.4 (MANE Select); coding-DNA position 2485, C replaced by T.
Protein change: p.Arg829Trp; replaces arginine 829 with tryptophan.
Molecular consequence: missense variant.
Genome position (GRCh38, 1-based): chr16:31,325,384, C>T. VCF-style: chr16-31325384-C-T. GRCh37 (hg19) VCF-style: chr16-31336705-C-T.
Other names: c.2488C>T, p.Arg830Trp (NM_001145808.2); short protein forms R830W, R829W.
Identifiers: ClinVar variation 2882528 (VCV002882528.3), dbSNP rs200357959, ClinGen allele CA8025832.